The following is an entry in ClinVar:

ClinVar aggregate classification (germline): Conflicting classifications of pathogenicity. Review status: criteria provided, conflicting classifications (1 of 4 stars). 5 submissions from 5 submitters: Uncertain significance (3); Benign (1); Likely benign (1). Last evaluated 2025-05-22.

Conditions:
Hereditary cancer-predisposing syndrome. Also called: Tumor predisposition; Neoplastic Syndromes, Hereditary; Hereditary neoplastic syndrome; Hereditary Cancer Syndrome. Identifiers: Orphanet 140162, MedGen C0027672, MeSH D009386, MONDO:0015356.
Peutz-Jeghers syndrome (PJS). Also called: POLYPOSIS, HAMARTOMATOUS INTESTINAL; POLYPS-AND-SPOTS SYNDROME; Peutz-Jeghers polyposis; Periorificial lentiginosis syndrome. Identifiers: Orphanet 2869, MedGen C0031269, MeSH D010580, MONDO:0008280, OMIM 175200.

Submissions (5):

Labcorp Genetics (formerly Invitae), Labcorp
Classification: Likely benign for Peutz-Jeghers syndrome. Last evaluated: 2025-05-22. Review status: criteria provided, single submitter. Criteria: Invitae Variant Classification Sherloc (09022015). Collection method: clinical testing. Allele origin: germline.

Ambry Genetics
Classification: Benign for Hereditary cancer-predisposing syndrome. Last evaluated: 2024-02-13. Review status: criteria provided, single submitter. Criteria: Ambry Variant Classification Scheme 2023. Collection method: clinical testing. Allele origin: germline.

Department of Pathology and Laboratory Medicine, Sinai Health System
Classification: Uncertain significance for Peutz-Jeghers syndrome. Last evaluated: 2023-02-01. Review status: criteria provided, single submitter. Criteria: ACMG Guidelines, 2015. Collection method: clinical testing. Allele origin: germline. Affected: yes.

Genome-Nilou Lab
Classification: Uncertain significance for Peutz-Jeghers syndrome. Last evaluated: 2021-07-15. Review status: criteria provided, single submitter. Criteria: ACMG Guidelines, 2015. Collection method: clinical testing. Allele origin: germline. Affected: no.

Color Diagnostics, LLC DBA Color Health
Classification: Uncertain significance for Hereditary cancer-predisposing syndrome. Last evaluated: 2020-12-23. Review status: criteria provided, single submitter. Criteria: ACMG Guidelines, 2015. Collection method: clinical testing. Allele origin: germline.
Comment: This missense variant replaces isoleucine with methionine at codon 356 of the STK11 protein. Computational prediction suggests that this variant may not impact protein structure and function (internally defined REVEL score threshold <= 0.5, PMID: 27666373). To our knowledge, functional studies have not been reported for this variant. This variant has been reported in an individual affected with breast or ovarian cancer (PMID: 32068069). This variant has been identified in 2/245160 chromosomes in the general population by the Genome Aggregation Database (gnomAD). The available evidence is insufficient to determine the role of this variant in disease conclusively. Therefore, this variant is classified as a Variant of Uncertain Significance.

Literature cited by the submitters: PubMed 32068069 (cited by Department of Pathology and Laboratory Medicine, Sinai Health System).

NM_000455.5(STK11):c.1068C>G (p.Ile356Met)

Genes: STK11 (serine/threonine kinase 11; plus strand), LOC130062899 (ATAC-STARR-seq lymphoblastoid active region 13597; plus strand). Cytogenetic location: 19p13.3.
Variant type: single nucleotide variant.
Coding change: c.1068C>G on transcript NM_000455.5 (MANE Select); coding-DNA position 1068, C replaced by G.
Protein change: p.Ile356Met; replaces isoleucine 356 with methionine.
Molecular consequence: missense variant.
Genome position (GRCh38, 1-based): chr19:1,223,132, C>G. VCF-style: chr19-1223132-C-G. GRCh37 (hg19) VCF-style: chr19-1223131-C-G.
Other names: short protein forms I356M.
Identifiers: ClinVar variation 142798 (VCV000142798.19), dbSNP rs187744790, ClinGen allele CA022258.